The following is an entry in ClinVar:

NM_000132.4(F8):c.5587G>A (p.Glu1863Lys)

Gene: F8 (coagulation factor VIII; minus strand). Cytogenetic location: Xq28.
Variant type: single nucleotide variant.
Coding change: c.5587G>A on transcript NM_000132.4 (MANE Select); coding-DNA position 5587, G replaced by A.
Protein change: p.Glu1863Lys; replaces glutamic acid 1863 with lysine.
Molecular consequence: missense variant.
Genome position (GRCh38, 1-based): chrX:154,904,524, C>T on the plus strand (G>A on the coding strand, the complement: F8 is on the minus strand). VCF-style: chrX-154904524-C-T. GRCh37 (hg19) VCF-style: chrX-154132799-C-T.
Other names: p.Glu1863Lys; short protein forms E1863K.
Identifiers: ClinVar variation 4542520 (VCV004542520.1).

ClinVar aggregate classification (germline): Likely pathogenic (1 of 4 stars; one submission).

Submission:

Mayo Clinic Laboratories, Mayo Clinic
Classification: Likely pathogenic. Last evaluated: 2025-01-27. Review status: criteria provided, single submitter. Criteria: ACMG Guidelines, 2015. Collection method: clinical testing. Allele origin: germline. Observed: 1 variant allele.
Comment: PP3_moderate, PM2_supporting, PS4

Literature cited by the submitters: PubMed 18691168; PubMed 23711294.